The following is an entry in ClinVar:

ClinVar aggregate classification (germline): Uncertain significance (0 of 4 stars; one submission).

Conditions:
MC3R-related disorder. Also called: MC3R-related condition.

Allele frequency attached by ClinVar (database versions not stated): gnomAD exomes 0.00001; ExAC 0.00006; gnomAD 0.00015; TOPMed 0.00016; ESP Exome Variant Server 0.00031.

Submission:

PreventionGenetics, part of Exact Sciences
Classification: Uncertain significance for MC3R-related condition. Last evaluated: 2024-02-28. Review status: no assertion criteria provided. Collection method: clinical testing. Allele origin: germline.
Comment: The MC3R c.713T>C variant is predicted to result in the amino acid substitution p.Met238Thr. This variant has been reported in the heterozygous state in at least one individual with severe obesity (Calton et al. 2009. PubMed ID: 19091795). In vitro studies found that this variant caused a small but statistically significant decrease in receptor expression and a reduction in ligand binding (Yang and Tao. 2012. PubMed ID: 22884546, reported as M275T). However, these functional assays have not been conclusively associated with clinical obesity. This variant is reported in 0.080% of alleles in individuals of African descent in gnomAD. At this time, the clinical significance of this variant is uncertain.

NM_019888.3(MC3R):c.713T>C (p.Met238Thr)

Gene: MC3R (melanocortin 3 receptor; plus strand). Cytogenetic location: 20q13.2.
Variant type: single nucleotide variant.
Coding change: c.713T>C on transcript NM_019888.3 (MANE Select); coding-DNA position 713, T replaced by C.
Protein change: p.Met238Thr; replaces methionine 238 with threonine.
Molecular consequence: missense variant.
Genome position (GRCh38, 1-based): chr20:56,249,556, T>C. VCF-style: chr20-56249556-T-C. GRCh37 (hg19) VCF-style: chr20-54824612-T-C.
Other names: short protein forms M238T.
Identifiers: ClinVar variation 3042455 (VCV003042455.2), dbSNP rs144585517, ClinGen allele CA9917078.